The following is an entry in ClinVar:

NM_000535.7(PMS2):c.2510T>C (p.Met837Thr)

Gene: PMS2 (PMS1 homolog 2, mismatch repair system component; minus strand). Cytogenetic location: 7p22.1.
Variant type: single nucleotide variant.
Coding change: c.2510T>C on transcript NM_000535.7 (MANE Select); coding-DNA position 2510, T replaced by C.
Protein change: p.Met837Thr; replaces methionine 837 with threonine.
Molecular consequence: missense variant. On other transcripts: non-coding transcript variant (1).
Genome position (GRCh38, 1-based): chr7:5,973,478, A>G on the plus strand (T>C on the coding strand, the complement: PMS2 is on the minus strand). VCF-style: chr7-5973478-A-G. GRCh37 (hg19) VCF-style: chr7-6013109-A-G.
Other names: c.1577T>C, p.Met526Thr (NM_001322011.2, NM_001322012.2); c.1937T>C, p.Met646Thr (NM_001322013.2, NM_001406908.1, NM_001406909.1); c.2543T>C, p.Met848Thr (NM_001322014.2); c.2201T>C, p.Met734Thr (NM_001322015.2, NM_001406881.1, NM_001406882.1 and 4 more transcripts); c.2696T>C, p.Met899Thr (NM_001406866.1); c.2534T>C, p.Met845Thr (NM_001406868.1); c.2402T>C, p.Met801Thr (NM_001406869.1); c.2387T>C, p.Met796Thr (NM_001406870.1); and 20 more; short protein forms M436T, M526T, M580T, M598T, M646T, M650T, M666T, M675T.
Identifiers: ClinVar variation 3625860 (VCV003625860.2).

ClinVar aggregate classification (germline): Uncertain significance (1 of 4 stars; one submission).

Conditions:
Hereditary nonpolyposis colorectal neoplasms. Identifiers: MedGen C0009405, MeSH D003123.

Submission:

Labcorp Genetics (formerly Invitae), Labcorp
Classification: Uncertain significance for Hereditary nonpolyposis colorectal neoplasms. Last evaluated: 2024-03-07. Review status: criteria provided, single submitter. Criteria: Invitae Variant Classification Sherloc (09022015). Collection method: clinical testing. Allele origin: germline.
Comment: This sequence change replaces methionine, which is neutral and non-polar, with threonine, which is neutral and polar, at codon 837 of the PMS2 protein (p.Met837Thr). The frequency data for this variant in the population databases (gnomAD) is considered unreliable due to the presence of homologous sequence, such as pseudogenes or paralogs, in the genome. This variant has not been reported in the literature in individuals affected with PMS2-related conditions. Advanced modeling of protein sequence and biophysical properties (such as structural, functional, and spatial information, amino acid conservation, physicochemical variation, residue mobility, and thermodynamic stability) performed at Invitae indicates that this missense variant is expected to disrupt PMS2 protein function with a positive predictive value of 80%. In summary, the available evidence is currently insufficient to determine the role of this variant in disease. Therefore, it has been classified as a Variant of Uncertain Significance.